The following is an entry in ClinVar:

NM_005222.4(DLX6):c.237G>C (p.Ala79=)

Genes: DLX6 (distal-less homeobox 6; plus strand), DLX6-AS1 (DLX6 antisense RNA 1; minus strand). Cytogenetic location: 7q21.3.
Variant type: single nucleotide variant.
Coding change: c.237G>C on transcript NM_005222.4 (MANE Select); coding-DNA position 237, G replaced by C.
Protein change: p.Ala79=; no amino-acid change (alanine 79 retained).
Molecular consequence: synonymous variant.
Genome position (GRCh38, 1-based): chr7:97,006,214, G>C. VCF-style: chr7-97006214-G-C. GRCh37 (hg19) VCF-style: chr7-96635526-G-C.
Identifiers: ClinVar variation 3350391 (VCV003350391.1).

ClinVar aggregate classification (germline): Likely benign (0 of 4 stars; one submission).

Conditions:
DLX6-related disorder. Also called: DLX6-related condition.

Submission:

PreventionGenetics, part of Exact Sciences
Classification: Likely benign for DLX6-related condition. Last evaluated: 2024-06-10. Review status: no assertion criteria provided. Collection method: clinical testing. Allele origin: germline.
Comment: This variant is classified as likely benign based on ACMG/AMP sequence variant interpretation guidelines (Richards et al. 2015 PMID: 25741868, with internal and published modifications).